The following is an entry in ClinVar:

ClinVar aggregate classification (germline): Uncertain significance. Review status: criteria provided, multiple submitters, no conflicts (2 of 4 stars). 3 submissions from 3 submitters: Uncertain significance (3). Last evaluated 2024-11-01.

Conditions:
DOCK2 deficiency. Also called: Immunodeficiency 40. Identifiers: Orphanet 447737, MedGen C4225328, MONDO:0014637, OMIM 616433.
Inborn genetic diseases. Identifiers: MedGen C0950123, MeSH D030342.

Allele frequency attached by ClinVar (database versions not stated): gnomAD 0.00001.
gnomAD v4.1: 7 of 1,614,002 alleles (0.00043%); highest among the groups gnomAD compares: Admixed American, 0.0017%; no homozygotes.

Submissions (3):

Blueprint Genetics
Classification: Uncertain significance. Last evaluated: 2024-11-01. Review status: criteria provided, single submitter. Criteria: ACMG Guidelines, 2015. Collection method: clinical testing. Allele origin: germline.

Ambry Genetics
Classification: Uncertain significance for Inborn genetic diseases. Last evaluated: 2022-12-15. Review status: criteria provided, single submitter. Criteria: Ambry Variant Classification Scheme 2023. Collection method: clinical testing. Allele origin: germline.

Labcorp Genetics (formerly Invitae), Labcorp
Classification: Uncertain significance for DOCK2 deficiency. Last evaluated: 2022-01-21. Review status: criteria provided, single submitter. Criteria: Invitae Variant Classification Sherloc (09022015). Collection method: clinical testing. Allele origin: germline.
Comment: This sequence change replaces leucine, which is neutral and non-polar, with valine, which is neutral and non-polar, at codon 1668 of the DOCK2 protein (p.Leu1668Val). This variant is not present in population databases (gnomAD no frequency). This variant has not been reported in the literature in individuals affected with DOCK2-related conditions. Algorithms developed to predict the effect of missense changes on protein structure and function (SIFT, PolyPhen-2, Align-GVGD) all suggest that this variant is likely to be tolerated. In summary, the available evidence is currently insufficient to determine the role of this variant in disease. Therefore, it has been classified as a Variant of Uncertain Significance.

NM_004946.3(DOCK2):c.5002C>G (p.Leu1668Val)

Gene: DOCK2 (dedicator of cytokinesis 2; plus strand). Cytogenetic location: 5q35.1.
Variant type: single nucleotide variant.
Coding change: c.5002C>G on transcript NM_004946.3 (MANE Select); coding-DNA position 5002, C replaced by G.
Protein change: p.Leu1668Val; replaces leucine 1668 with valine.
Molecular consequence: missense variant. On other transcripts: non-coding transcript variant (1).
Genome position (GRCh38, 1-based): chr5:170,078,982, C>G. VCF-style: chr5-170078982-C-G. GRCh37 (hg19) VCF-style: chr5-169505986-C-G.
Other names: c.5002C>G (NM_004946.2); short protein forms L1668V.
Identifiers: ClinVar variation 2194189 (VCV002194189.3), dbSNP rs377100198, ClinGen allele CA132027493.